The following is an entry in ClinVar:

NM_018297.4(NGLY1):c.52G>T (p.Ala18Ser)

Gene: NGLY1 (N-glycanase 1; minus strand). Cytogenetic location: 3p24.2.
Variant type: single nucleotide variant.
Coding change: c.52G>T on transcript NM_018297.4 (MANE Select); coding-DNA position 52, G replaced by T.
Protein change: p.Ala18Ser; replaces alanine 18 with serine.
Molecular consequence: missense variant. On other transcripts: intron variant (1).
Genome position (GRCh38, 1-based): chr3:25,783,339, C>A on the plus strand (G>T on the coding strand, the complement: NGLY1 is on the minus strand). VCF-style: chr3-25783339-C-A. GRCh37 (hg19) VCF-style: chr3-25824830-C-A.
Other names: c.52G>T, p.Ala18Ser (NM_001145293.2, NM_001145295.2); c.6-4651G>T (NM_001145294.2); short protein forms A18S.
Identifiers: ClinVar variation 1513188 (VCV001513188.4), dbSNP rs762706285, ClinGen allele CA2289600.

ClinVar aggregate classification (germline): Uncertain significance (1 of 4 stars; one submission).

Conditions:
Congenital disorder of deglycosylation (CDDG). Identifiers: MedGen C3808991, MONDO:0031376.

Allele frequency attached by ClinVar (database versions not stated): gnomAD 0.00001; gnomAD exomes 0.00001 and 0.00002; TOPMed 0.00001; ExAC 0.00002.
gnomAD v4.1: 4 of 1,585,272 alleles (0.00025%); highest among the groups gnomAD compares: Admixed American, 0.0072%; no homozygotes.

Submission:

Labcorp Genetics (formerly Invitae), Labcorp
Classification: Uncertain significance for Congenital disorder of deglycosylation. Last evaluated: 2022-05-21. Review status: criteria provided, single submitter. Criteria: Invitae Variant Classification Sherloc (09022015). Collection method: clinical testing. Allele origin: germline.
Comment: In summary, the available evidence is currently insufficient to determine the role of this variant in disease. Therefore, it has been classified as a Variant of Uncertain Significance. Algorithms developed to predict the effect of missense changes on protein structure and function are either unavailable or do not agree on the potential impact of this missense change (SIFT: "Tolerated"; PolyPhen-2: "Not Available"; Align-GVGD: "Class C0"). This variant has not been reported in the literature in individuals affected with NGLY1-related conditions. The frequency data for this variant in the population databases is considered unreliable, as metrics indicate poor data quality at this position in the gnomAD database. This sequence change replaces alanine, which is neutral and non-polar, with serine, which is neutral and polar, at codon 18 of the NGLY1 protein (p.Ala18Ser).